The following is an entry in ClinVar:

NM_001256789.3(CACNA1F):c.2177A>G (p.Tyr726Cys)

Gene: CACNA1F (calcium voltage-gated channel subunit alpha1 F; minus strand). Cytogenetic location: Xp11.23.
Variant type: single nucleotide variant.
Coding change: c.2177A>G on transcript NM_001256789.3 (MANE Select); coding-DNA position 2177, A replaced by G.
Protein change: p.Tyr726Cys; replaces tyrosine 726 with cysteine.
Molecular consequence: missense variant.
Genome position (GRCh38, 1-based): chrX:49,222,747, T>C on the plus strand (A>G on the coding strand, the complement: CACNA1F is on the minus strand). VCF-style: chrX-49222747-T-C. GRCh37 (hg19) VCF-style: chrX-49079206-T-C.
Other names: c.2015A>G, p.Tyr672Cys (NM_001256790.3); c.2210A>G, p.Tyr737Cys (NM_005183.4); short protein forms Y672C, Y726C, Y737C.
Identifiers: ClinVar variation 4086729 (VCV004086729.1).
Genomic context (GRCh38, chrX:49,222,747, plus strand): 5'-ATCATCCAGCCCCACAAAGCTCCAAGGATACAGTTGCCACAGATGAAGAGAATGATGAAA[T>C]AGATGCACACCAACATTCCTGGGAAGAAGGGGCCACCATATGCCATGATACCATCATACA-3'
Protein context (NP_001243718.1, residues 716-736): PFFPGMLVCI[Tyr726Cys]FIILFICGNY

ClinVar aggregate classification (germline): Uncertain significance (1 of 4 stars; one submission).

Submission:

GeneDx
Classification: Uncertain significance. Last evaluated: 2025-03-20. Review status: criteria provided, single submitter. Criteria: GeneDx Variant Classification Process June 2021. Collection method: clinical testing. Allele origin: germline. Affected: yes.
Comment: Not observed at significant frequency in large population cohorts (gnomAD); In silico analysis supports that this missense variant has a deleterious effect on protein structure/function; Has not been previously published as pathogenic or benign to our knowledge